The following is an entry in ClinVar:

ClinVar aggregate classification (germline): Uncertain significance. Review status: criteria provided, multiple submitters, no conflicts (2 of 4 stars). 6 submissions from 6 submitters: Uncertain significance (6). Last evaluated 2025-08-12.

Conditions:
Cardiomyopathy (CMYO). Also called: Cardiomyopathies. Identifiers: Orphanet 167848, MedGen C0878544, MONDO:0004994, HP:0001638. Inheritance: Various modes of inheritance.
Hypertrophic cardiomyopathy. Also called: HYPERTROPHIC MYOCARDIOPATHY. Identifiers: Orphanet 217569, MedGen C0007194, MeSH D002312, MONDO:0005045, HP:0001639.
Cardiovascular phenotype. Identifiers: MedGen CN230736.

Allele frequency attached by ClinVar (database versions not stated): gnomAD exomes 0.00001; TOPMed 0.00001; ExAC 0.00002.
gnomAD v4.1: 10 of 1,614,092 alleles (0.00062%); highest among the groups gnomAD compares: Admixed American, 0.0017%; no homozygotes.

Submissions (6):

Labcorp Genetics (formerly Invitae), Labcorp
Classification: Uncertain significance for Hypertrophic cardiomyopathy. Last evaluated: 2025-08-12. Review status: criteria provided, single submitter. Criteria: Invitae Variant Classification Sherloc (09022015). Collection method: clinical testing. Allele origin: germline.
Comment: This sequence change replaces alanine, which is neutral and non-polar, with threonine, which is neutral and polar, at codon 1487 of the MYH7 protein (p.Ala1487Thr). This variant is present in population databases (rs766909770, gnomAD 0.003%). This variant has not been reported in the literature in individuals affected with MYH7-related conditions. ClinVar contains an entry for this variant (Variation ID: 656644). Invitae Evidence Modeling of protein sequence and biophysical properties (such as structural, functional, and spatial information, amino acid conservation, physicochemical variation, residue mobility, and thermodynamic stability) indicates that this missense variant is expected to disrupt MYH7 protein function with a positive predictive value of 95%. In summary, the available evidence is currently insufficient to determine the role of this variant in disease. Therefore, it has been classified as a Variant of Uncertain Significance.

Molecular Diagnostic Laboratory for Inherited Cardiovascular Disease, Montreal Heart Institute
Classification: Uncertain significance for Cardiovascular phenotype. Last evaluated: 2025-04-09. Review status: criteria provided, single submitter. Criteria: ACMG Guidelines, 2015. Collection method: clinical testing. Allele origin: germline. Affected: yes.

All of Us Research Program, National Institutes of Health
Classification: Uncertain significance for Cardiomyopathy. Last evaluated: 2023-12-18. Review status: criteria provided, single submitter. Criteria: ACMG Guidelines, 2015. Collection method: clinical testing. Allele origin: germline. Inheritance: Autosomal dominant inheritance. Observed: 4 variant alleles, 4 heterozygotes.
Comment: This missense variant replaces alanine with threonine at codon 1487 of the MYH7 protein. Computational prediction suggests that this variant may not impact protein structure and function (internally defined REVEL score threshold <= 0.5, PMID: 27666373). To our knowledge, functional studies have not been reported for this variant. This variant has been reported in an individual affected with limb-girdle muscular dystrophy (PMID: 29970176). This variant has been identified in 3/251492 chromosomes in the general population by the Genome Aggregation Database (gnomAD). The available evidence is insufficient to determine the role of this variant in disease conclusively. Therefore, this variant is classified as a Variant of Uncertain Significance.

This study involves interpretation of variants in research participants for the purpose of population health screening. Participant phenotype was not available at the time of variant classification. Additional details can be found in publication PMID: 35346344, PMCID: PMC8962531

Color Diagnostics, LLC DBA Color Health
Classification: Uncertain significance for Cardiomyopathy. Last evaluated: 2023-08-16. Review status: criteria provided, single submitter. Criteria: ACMG Guidelines, 2015. Collection method: clinical testing. Allele origin: germline.
Comment: This missense variant replaces alanine with threonine at codon 1487 of the MYH7 protein. Computational prediction suggests that this variant may not impact protein structure and function (internally defined REVEL score threshold <= 0.5, PMID: 27666373). To our knowledge, functional studies have not been reported for this variant. This variant has been reported in an individual affected with limb-girdle muscular dystrophy (PMID: 29970176). This variant has been identified in 3/251492 chromosomes in the general population by the Genome Aggregation Database (gnomAD). The available evidence is insufficient to determine the role of this variant in disease conclusively. Therefore, this variant is classified as a Variant of Uncertain Significance.

GeneDx
Classification: Uncertain significance. Last evaluated: 2020-01-08. Review status: criteria provided, single submitter. Criteria: GeneDx Variant Classification Process June 2021. Collection method: clinical testing. Allele origin: germline. Affected: yes.
Comment: Identified in a patient with a clinical diagnosis of Limb girdle muscular dystrophy (LGMD) who also harbors additional variants in another LGMD-related gene (Fichna et al., 2018); Not observed at a significant frequency in large population cohorts (Lek et al., 2016); Reported as a variant of uncertain significance by another clinical laboratory in ClinVar (ClinVar Variant ID#656644; Landrum et al., 2016); In silico analysis, which includes protein predictors and evolutionary conservation, supports that this variant does not alter protein structure/function; This variant is associated with the following publications: (PMID: 29970176)

Ambry Genetics
Classification: Uncertain significance for Cardiovascular phenotype. Last evaluated: 2019-10-03. Review status: criteria provided, single submitter. Criteria: Ambry Variant Classification Scheme 2023. Collection method: clinical testing. Allele origin: germline.
Comment: The p.A1487T variant (also known as c.4459G>A), located in coding exon 30 of the MYH7 gene, results from a G to A substitution at nucleotide position 4459. The alanine at codon 1487 is replaced by threonine, an amino acid with similar properties. This alteration has been reported in a limb girdle muscular dystrophy cohort (Fichna JP et al. Hum. Genomics, 2018 07;12:34). This amino acid position is well conserved in available vertebrate species. In addition, this alteration is predicted to be tolerated by in silico analysis. Since supporting evidence is limited at this time, the clinical significance of this alteration remains unclear.

Literature cited by the submitters: PubMed 29970176 (cited by 3 submitters).

NM_000257.4(MYH7):c.4459G>A (p.Ala1487Thr)

Genes: MHRT (myosin heavy chain associated RNA transcript; plus strand), MYH7 (myosin heavy chain 7; minus strand). Cytogenetic location: 14q11.2.
Variant type: single nucleotide variant.
Coding change: c.4459G>A on transcript NM_000257.4 (MANE Select); coding-DNA position 4459, G replaced by A.
Protein change: p.Ala1487Thr; replaces alanine 1487 with threonine.
Molecular consequence: missense variant. On other transcripts: non-coding transcript variant (1).
Genome position (GRCh38, 1-based): chr14:23,417,213, C>T on the plus strand (G>A on the coding strand, the complement: MYH7 is on the minus strand). VCF-style: chr14-23417213-C-T. GRCh37 (hg19) VCF-style: chr14-23886422-C-T.
Other names: short protein forms A1487T.
Identifiers: ClinVar variation 656644 (VCV000656644.18), dbSNP rs766909770, ClinGen allele CA042330.